The following is an entry in ClinVar:

NM_182914.3(SYNE2):c.8819A>G (p.His2940Arg)

Gene: SYNE2 (spectrin repeat containing nuclear envelope protein 2; plus strand). Cytogenetic location: 14q23.2.
Variant type: single nucleotide variant.
Coding change: c.8819A>G on transcript NM_182914.3 (MANE Select); coding-DNA position 8819, A replaced by G.
Protein change: p.His2940Arg; replaces histidine 2940 with arginine.
Molecular consequence: missense variant.
Genome position (GRCh38, 1-based): chr14:64,052,732, A>G. VCF-style: chr14-64052732-A-G. GRCh37 (hg19) VCF-style: chr14-64519450-A-G.
Other names: c.8819A>G, p.His2940Arg (NM_015180.6); short protein forms H2940R.
Identifiers: ClinVar variation 1921764 (VCV001921764.5), dbSNP rs760713779, ClinGen allele CA261838417.

ClinVar aggregate classification (germline): Uncertain significance (1 of 4 stars; one submission).

Conditions:
Emery-Dreifuss muscular dystrophy 5, autosomal dominant (EDMD5). Also called: EMERY-DREIFUSS MUSCULAR DYSTROPHY 5. Identifiers: Orphanet 261, MedGen C2751805, MONDO:0013072, OMIM 612999.

Allele frequency attached by ClinVar (database versions not stated): TOPMed 0.00002.
gnomAD v4.1: 12 of 1,613,656 alleles (0.00074%); highest among the groups gnomAD compares: Non-Finnish European, 0.001%; no homozygotes.

Submission:

Labcorp Genetics (formerly Invitae), Labcorp
Classification: Uncertain significance for Emery-Dreifuss muscular dystrophy 5, autosomal dominant. Last evaluated: 2022-04-24. Review status: criteria provided, single submitter. Criteria: Invitae Variant Classification Sherloc (09022015). Collection method: clinical testing. Allele origin: germline.
Comment: In summary, the available evidence is currently insufficient to determine the role of this variant in disease. Therefore, it has been classified as a Variant of Uncertain Significance. Algorithms developed to predict the effect of missense changes on protein structure and function output the following: SIFT: "Tolerated"; PolyPhen-2: "Benign"; Align-GVGD: "Class C0". The arginine amino acid residue is found in multiple mammalian species, which suggests that this missense change does not adversely affect protein function. This variant has not been reported in the literature in individuals affected with SYNE2-related conditions. This variant is present in population databases (no rsID available, gnomAD 0.002%). This sequence change replaces histidine, which is basic and polar, with arginine, which is basic and polar, at codon 2940 of the SYNE2 protein (p.His2940Arg).